The following is an entry in ClinVar:

ClinVar aggregate classification (germline): Uncertain significance. Review status: criteria provided, multiple submitters, no conflicts (2 of 4 stars). 3 submissions from 3 submitters: Uncertain significance (3). Last evaluated 2026-06-10.

Conditions:
CDK5RAP2-related disorder. Also called: CDK5RAP2-related condition.
Inborn genetic diseases. Identifiers: MedGen C0950123, MeSH D030342.

gnomAD v4.1: 17 of 1,612,020 alleles (0.0011%); highest among the groups gnomAD compares: African/African-American, 0.016%; no homozygotes.

Submissions (3):

Ambry Genetics
Classification: Uncertain significance for Inborn genetic diseases. Last evaluated: 2026-06-10. Review status: criteria provided, single submitter. Criteria: Ambry Variant Classification Scheme 2023. Collection method: clinical testing. Allele origin: germline.

PreventionGenetics, part of Exact Sciences
Classification: Uncertain significance for CDK5RAP2-related condition. Last evaluated: 2025-03-22. Review status: criteria provided, single submitter. Criteria: ACMG Guidelines, 2015. Collection method: clinical testing. Allele origin: germline.
Comment: The CDK5RAP2 c.1371G>A variant is predicted to result in the amino acid substitution p.Met457Ile. To our knowledge, this variant has not been reported in the literature. This variant is reported in 0.020% of alleles in individuals of African descent in gnomAD. At this time, the clinical significance of this variant is uncertain due to the absence of conclusive functional and genetic evidence.

Labcorp Genetics (formerly Invitae), Labcorp
Classification: Uncertain significance. Last evaluated: 2024-04-14. Review status: criteria provided, single submitter. Criteria: Invitae Variant Classification Sherloc (09022015). Collection method: clinical testing. Allele origin: germline.
Comment: This sequence change replaces methionine, which is neutral and non-polar, with isoleucine, which is neutral and non-polar, at codon 457 of the CDK5RAP2 protein (p.Met457Ile). This variant is present in population databases (rs775885612, gnomAD 0.02%). This variant has not been reported in the literature in individuals affected with CDK5RAP2-related conditions. An algorithm developed to predict the effect of missense changes on protein structure and function (PolyPhen-2) suggests that this variant is likely to be tolerated. In summary, the available evidence is currently insufficient to determine the role of this variant in disease. Therefore, it has been classified as a Variant of Uncertain Significance.

NM_018249.6(CDK5RAP2):c.1371G>A (p.Met457Ile)

Gene: CDK5RAP2 (CDK5 regulatory subunit associated protein 2; minus strand). Cytogenetic location: 9q33.2.
Variant type: single nucleotide variant.
Coding change: c.1371G>A on transcript NM_018249.6 (MANE Select); coding-DNA position 1371, G replaced by A.
Protein change: p.Met457Ile; replaces methionine 457 with isoleucine.
Molecular consequence: missense variant. On other transcripts: non-coding transcript variant (5).
Genome position (GRCh38, 1-based): chr9:120,491,418, C>T on the plus strand (G>A on the coding strand, the complement: CDK5RAP2 is on the minus strand). VCF-style: chr9-120491418-C-T. GRCh37 (hg19) VCF-style: chr9-123253696-C-T.
Other names: c.1371G>A, p.Met457Ile (NM_001011649.3, NM_001272039.2, NM_001410992.1 and 2 more transcripts); c.1371G>A (NM_018249.4, NM_018249.5); short protein forms M457I.
Identifiers: ClinVar variation 3657046 (VCV003657046.4).